The following is an entry in ClinVar:

ClinVar aggregate classification (germline): Pathogenic. Review status: criteria provided, multiple submitters, no conflicts (2 of 4 stars). 5 submissions from 5 submitters: Pathogenic (5). Last evaluated 2024-02-16.

Conditions:
Morquio syndrome. Also called: Mucopolysaccharidosis type 4; Mucopolysaccharidosis, Type IV; MPS IV; Eccentrochondrodysplasia. Identifiers: Orphanet 582, MedGen C0026707, MONDO:0018938.
Mucopolysaccharidosis, MPS-IV-A (MPS4A). Also called: Mucopolysaccharidosis type IV A; MPS IVA; Mucopolysaccharidosis Type IVA; GALACTOSAMINE-6-SULFATASE DEFICIENCY; GALNS DEFICIENCY; Morquio syndrome A, mild. Identifiers: Orphanet 309297, Orphanet 582, MedGen C0086651, MONDO:0009659, OMIM 253000.
GALNS-related disorders.

Submissions (5):

Blueprint Genetics
Classification: Pathogenic for GALNS-related disorders. Last evaluated: 2024-02-16. Review status: criteria provided, single submitter. Criteria: ACMG Guidelines, 2015. Collection method: clinical testing. Allele origin: germline. Affected: yes. Observed: 3 variant alleles.

Fulgent Genetics
Classification: Pathogenic for Mucopolysaccharidosis, MPS-IV-A. Last evaluated: 2024-01-12. Review status: criteria provided, single submitter. Criteria: ACMG Guidelines, 2015. Collection method: clinical testing. Allele origin: germline.

Women's Health and Genetics/Laboratory Corporation of America, LabCorp
Classification: Pathogenic for Morquio syndrome. Last evaluated: 2024-01-11. Review status: criteria provided, single submitter. Criteria: LabCorp Variant Classification Summary - May 2015. Collection method: clinical testing. Allele origin: germline.
Comment: Variant summary: GALNS c.841_867del27 (p.Thr281_Asn289del) results in an in-frame deletion that is predicted to remove 9 amino acids from the encoded protein. The variant allele was found at a frequency of 4.3e-06 in 231084 control chromosomes (gnomAD). c.841_867del27 has been reported in the literature in multiple individuals affected with Mucopolysaccharidosis Type IVA (Morquio Syndrome A) (examples: Tomatsu_1995, Bunge_1997, Fukuda_1996, Morrone_2014). These data indicate that the variant is very likely to be associated with disease. The following publications have been ascertained in the context of this evaluation (PMID: 7668283, 9298823, 8844220, 24726177). ClinVar contains an entry for this variant (Variation ID: 1048421). Based on the evidence outlined above, the variant was classified as pathogenic.

Labcorp Genetics (formerly Invitae), Labcorp
Classification: Pathogenic for Mucopolysaccharidosis, MPS-IV-A. Last evaluated: 2023-09-06. Review status: criteria provided, single submitter. Criteria: Invitae Variant Classification Sherloc (09022015). Collection method: clinical testing. Allele origin: germline.
Comment: This variant, c.841_867del, results in the deletion of 9 amino acid(s) of the GALNS protein (p.Thr281_Asn289del), but otherwise preserves the integrity of the reading frame. This variant is present in population databases (no rsID available, gnomAD 0.001%). This variant has been observed in individual(s) with Morquio A syndrome (PMID: 8844220, 32993725). ClinVar contains an entry for this variant (Variation ID: 1048421). This variant disrupts a region of the GALNS protein in which other variant(s) (p.Phe285del) have been determined to be pathogenic (PMID: 15241807, 24875751, 29731656). This suggests that this is a clinically significant region of the protein, and that variants that disrupt it are likely to be disease-causing. For these reasons, this variant has been classified as Pathogenic.

Laboratory of Diagnosis and Therapy of Lysosomal Disorders, University of Padova
Classification: Pathogenic for Mucopolysaccharidosis, MPS-IV-A. Last evaluated: 2021-02-01. Review status: criteria provided, single submitter. Criteria: ACMG Guidelines, 2015. Collection method: curation. Allele origin: germline. Affected: yes.
Comment: In vivo functional studies supportive of a damaging effect on the gene product (low to null enzymatic activity in homozygotes; PS3_supporting); the prevalence of the variant in affected individuals is significantly increased compared with the prevalence in controls (PS4_strong); located in a mutational hot spot and/or critical and well-established functional domain without benign variation (PM1_moderate); absent from gnomAD v2.1.1 (PM2_moderate); protein length changes as a result of in-frame deletions in a nonrepeat region (PM4_moderate)

Literature cited by the submitters: PubMed 24726177 (cited by Women's Health and Genetics/Laboratory Corporation of America, LabCorp and Laboratory of Diagnosis and Therapy of Lysosomal Disorders, University of Padova); PubMed 9298823 (cited by Women's Health and Genetics/Laboratory Corporation of America, LabCorp and Laboratory of Diagnosis and Therapy of Lysosomal Disorders, University of Padova); PubMed 7668283 (cited by Women's Health and Genetics/Laboratory Corporation of America, LabCorp); PubMed 8844220 (cited by 3 submitters); PubMed 32993725 (cited by Labcorp Genetics (formerly Invitae), Labcorp and Laboratory of Diagnosis and Therapy of Lysosomal Disorders, University of Padova); PubMed 15241807 (cited by Labcorp Genetics (formerly Invitae), Labcorp); PubMed 24875751 (cited by Labcorp Genetics (formerly Invitae), Labcorp); PubMed 29731656 (cited by Labcorp Genetics (formerly Invitae), Labcorp); PubMed 16287098 (cited by Laboratory of Diagnosis and Therapy of Lysosomal Disorders, University of Padova); PubMed 7633425 (cited by Laboratory of Diagnosis and Therapy of Lysosomal Disorders, University of Padova); PubMed 34387910 (cited by Laboratory of Diagnosis and Therapy of Lysosomal Disorders, University of Padova).

NM_000512.5(GALNS):c.841_867del (p.Thr281_Asn289del)

Gene: GALNS (galactosamine (N-acetyl)-6-sulfatase; minus strand). Cytogenetic location: 16q24.3.
Variant type: Deletion.
Coding change: c.841_867del on transcript NM_000512.5 (MANE Select); coding-DNA positions 841 to 867, 27 bases deleted (ACCTTCGTCTTCTTCACGTCGGACAAC).
Protein change: p.Thr281_Asn289del.
Molecular consequence: inframe deletion.
Genome position (GRCh38, 1-based): chr16:88,835,244-88,835,270, GTTGTCCGACGTGAAGAAGACGAAGGT deleted on the plus strand (ACCTTCGTCTTCTTCACGTCGGACAAC on the coding strand, the reverse complement: GALNS is on the minus strand); deleting any 27 consecutive bases within chr16:88,835,244-88,835,278 gives the same sequence; the c. name uses the placement nearest the transcript's 3' end. VCF-style (leftmost placement, unchanged base first): chr16-88835243-CGTTGTCCGACGTGAAGAAGACGAAGGT-C. GRCh37 (hg19) VCF-style: chr16-88901651-CGTTGTCCGACGTGAAGAAGACGAAGGT-C.
Other names: c.841_867del27 (NM_000512.5); c.286_312del, p.Thr96_Asn104del (NM_001323543.2); c.859_885del, p.Thr287_Asn295del (NM_001323544.2).
Identifiers: ClinVar variation 1048421 (VCV001048421.9), dbSNP rs1567530426, ClinGen allele CA624206560.